The following is an entry in ClinVar:

NM_004320.6(ATP2A1):c.2401G>A (p.Gly801Arg)

Gene: ATP2A1 (ATPase sarcoplasmic/endoplasmic reticulum Ca2+ transporting 1; plus strand). Cytogenetic location: 16p11.2.
Variant type: single nucleotide variant.
Coding change: c.2401G>A on transcript NM_004320.6 (MANE Select); coding-DNA position 2401, G replaced by A.
Protein change: p.Gly801Arg; replaces glycine 801 with arginine.
Molecular consequence: missense variant.
Genome position (GRCh38, 1-based): chr16:28,902,263, G>A. VCF-style: chr16-28902263-G-A. GRCh37 (hg19) VCF-style: chr16-28913584-G-A.
Other names: c.2026G>A, p.Gly676Arg (NM_001286075.2); c.2401G>A, p.Gly801Arg (NM_173201.5); short protein forms G801R, G676R.
Identifiers: ClinVar variation 2717603 (VCV002717603.3), dbSNP rs764366570, ClinGen allele CA7987252.

ClinVar aggregate classification (germline): Uncertain significance (1 of 4 stars; one submission).

Conditions:
Brody myopathy. Also called: BRODY DISEASE. Identifiers: Orphanet 53347, MedGen C1832918, MONDO:0010977, OMIM 601003.

Allele frequency attached by ClinVar (database versions not stated): TOPMed below 0.00001; ExAC 0.00001; gnomAD 0.00001.
gnomAD v4.1: 6 of 1,613,970 alleles (0.00037%); highest among the groups gnomAD compares: Non-Finnish European, 0.00025%; no homozygotes.

Submission:

Labcorp Genetics (formerly Invitae), Labcorp
Classification: Uncertain significance for Brody myopathy. Last evaluated: 2023-02-08. Review status: criteria provided, single submitter. Criteria: Invitae Variant Classification Sherloc (09022015). Collection method: clinical testing. Allele origin: germline.
Comment: In summary, the available evidence is currently insufficient to determine the role of this variant in disease. Therefore, it has been classified as a Variant of Uncertain Significance. Algorithms developed to predict the effect of sequence changes on RNA splicing suggest that this variant may create or strengthen a splice site. Algorithms developed to predict the effect of missense changes on protein structure and function (SIFT, PolyPhen-2, Align-GVGD) all suggest that this variant is likely to be disruptive. This missense change has been observed in individual(s) with clinical features of ATP2A1-related conditions (Invitae). In at least one individual the data is consistent with being in trans (on the opposite chromosome) from a pathogenic variant. This variant is present in population databases (rs764366570, gnomAD 0.0009%). This sequence change replaces glycine, which is neutral and non-polar, with arginine, which is basic and polar, at codon 801 of the ATP2A1 protein (p.Gly801Arg).